The following is an entry in ClinVar:

ClinVar aggregate classification (germline): Uncertain significance. Review status: criteria provided, single submitter (1 of 4 stars). 2 submissions from 2 submitters: Uncertain significance (1). 1 of the submissions does not count toward it. Last evaluated 2025-03-30.

Conditions:
Familial focal epilepsy with variable foci (FPEVF). Identifiers: Orphanet 98820, MedGen C1858477, MONDO:0020310.
Epilepsy, familial focal, with variable foci 1 (FFEVF1). Also called: DEPDC5-Related Epilepsy. Identifiers: MedGen C4551983, MONDO:0024556, OMIM 604364.

Submissions (2):

Labcorp Genetics (formerly Invitae), Labcorp
Classification: Uncertain significance for Familial focal epilepsy with variable foci. Last evaluated: 2025-03-30. Review status: criteria provided, single submitter. Criteria: Invitae Variant Classification Sherloc (09022015). Collection method: clinical testing. Allele origin: germline.
Comment: This sequence change replaces isoleucine, which is neutral and non-polar, with valine, which is neutral and non-polar, at codon 925 of the DEPDC5 protein (p.Ile925Val). This variant is not present in population databases (gnomAD no frequency). This variant has not been reported in the literature in individuals affected with DEPDC5-related conditions. ClinVar contains an entry for this variant (Variation ID: 2664037). Experimental studies and prediction algorithms are not available or were not evaluated, and the functional significance of this variant is currently unknown. In summary, the available evidence is currently insufficient to determine the role of this variant in disease. Therefore, it has been classified as a Variant of Uncertain Significance.

Zotz-Klimas Genetics Lab, MVZ Zotz Klimas
Classification: Uncertain significance for Epilepsy, familial focal, with variable foci 1. Last evaluated: 2023-11-24. Review status: no assertion criteria provided. Collection method: clinical testing. Allele origin: germline. Affected: yes. Not counted in ClinVar's aggregate classification.

NM_001242896.3(DEPDC5):c.2773A>G (p.Ile925Val)

Gene: DEPDC5 (DEP domain containing 5, GATOR1 subcomplex subunit; plus strand). Cytogenetic location: 22q12.3.
Variant type: single nucleotide variant.
Coding change: c.2773A>G on transcript NM_001242896.3 (MANE Select); coding-DNA position 2773, A replaced by G.
Protein change: p.Ile925Val; replaces isoleucine 925 with valine.
Molecular consequence: missense variant. On other transcripts: non-coding transcript variant (5).
Genome position (GRCh38, 1-based): chr22:31,843,784, A>G. VCF-style: chr22-31843784-A-G. GRCh37 (hg19) VCF-style: chr22-32239770-A-G.
Other names: c.2746A>G, p.Ile916Val (NM_001136029.4, NM_001369903.1, NM_014662.6); c.2539A>G, p.Ile847Val (NM_001242897.2, NM_001363854.2, NM_001364319.2); c.2773A>G, p.Ile925Val (NM_001363852.2, NM_001364318.2, NM_001364320.2); c.2689A>G, p.Ile897Val (NM_001369901.1, NM_001369902.1); short protein forms I847V, I897V, I916V, I925V.
Identifiers: ClinVar variation 2664037 (VCV002664037.2), dbSNP rs2520123569, ClinGen allele CA411290195.